The following is an entry in ClinVar:

ClinVar aggregate classification (germline): Uncertain significance (1 of 4 stars; one submission).

Allele frequency attached by ClinVar (database versions not stated): gnomAD exomes below 0.00001; ExAC 0.00001; gnomAD 0.00001.
gnomAD v4.1: 6 of 1,614,012 alleles (0.00037%); highest among the groups gnomAD compares: African/African-American, 0.004%; no homozygotes.

Submission:

Labcorp Genetics (formerly Invitae), Labcorp
Classification: Uncertain significance. Last evaluated: 2022-11-08. Review status: criteria provided, single submitter. Criteria: Invitae Variant Classification Sherloc (09022015). Collection method: clinical testing. Allele origin: germline.
Comment: In summary, the available evidence is currently insufficient to determine the role of this variant in disease. Therefore, it has been classified as a Variant of Uncertain Significance. Algorithms developed to predict the effect of missense changes on protein structure and function (SIFT, PolyPhen-2, Align-GVGD) all suggest that this variant is likely to be tolerated. This variant has not been reported in the literature in individuals affected with HDAC4-related conditions. This variant is present in population databases (rs752406118, gnomAD 0.002%). This sequence change replaces alanine, which is neutral and non-polar, with valine, which is neutral and non-polar, at codon 312 of the HDAC4 protein (p.Ala312Val).

NM_001378414.1(HDAC4):c.935C>T (p.Ala312Val)

Gene: HDAC4 (histone deacetylase 4; minus strand). Cytogenetic location: 2q37.3.
Variant type: single nucleotide variant.
Coding change: c.935C>T on transcript NM_001378414.1 (MANE Select); coding-DNA position 935, C replaced by T.
Protein change: p.Ala312Val; replaces alanine 312 with valine.
Molecular consequence: missense variant.
Genome position (GRCh38, 1-based): chr2:239,139,727, G>A on the plus strand (C>T on the coding strand, the complement: HDAC4 is on the minus strand). VCF-style: chr2-239139727-G-A. GRCh37 (hg19) VCF-style: chr2-240061423-G-A.
Other names: c.935C>T, p.Ala312Val (NM_001378415.1, NM_001378416.1, NM_001378417.1 and 1 more transcripts); short protein forms A312V.
Identifiers: ClinVar variation 1949236 (VCV001949236.5), dbSNP rs752406118, ClinGen allele CA2200005.